The following is an entry in ClinVar:

ClinVar aggregate classification (germline): Uncertain significance (1 of 4 stars; one submission).

Conditions:
Neurofibromatosis, type 1 (NF1). Also called: Neurofibromatosis, type I; VON RECKLINGHAUSEN DISEASE; Peripheral type neurofibromatosis; NEUROFIBROMATOSIS, TYPE I, SOMATIC. Identifiers: Orphanet 636, MedGen C0027831, MONDO:0018975, OMIM 162200. Disease mechanism: loss of function.

Submission:

Labcorp Genetics (formerly Invitae), Labcorp
Classification: Uncertain significance for Neurofibromatosis, type 1. Last evaluated: 2019-01-29. Review status: criteria provided, single submitter. Criteria: Invitae Variant Classification Sherloc (09022015). Collection method: clinical testing. Allele origin: germline.
Comment: In summary, the available evidence is currently insufficient to determine the role of this variant in disease. Therefore, it has been classified as a Variant of Uncertain Significance. Algorithms developed to predict the effect of sequence changes on RNA splicing suggest that this variant may create or strengthen a splice site, but this prediction has not been confirmed by published transcriptional studies. Algorithms developed to predict the effect of missense changes on protein structure and function (SIFT, PolyPhen-2, Align-GVGD) all suggest that this variant is likely to be tolerated, but these predictions have not been confirmed by published functional studies and their clinical significance is uncertain. This variant has not been reported in the literature in individuals with NF1-related conditions. This variant is not present in population databases (ExAC no frequency). This sequence change replaces isoleucine with serine at codon 1307 of the NF1 protein (p.Ile1307Ser). The isoleucine residue is weakly conserved and there is a large physicochemical difference between isoleucine and serine.

NM_001042492.3(NF1):c.3920T>G (p.Ile1307Ser)

Gene: NF1 (neurofibromin 1; plus strand). Cytogenetic location: 17q11.2.
Variant type: single nucleotide variant.
Coding change: c.3920T>G on transcript NM_001042492.3 (MANE Select); coding-DNA position 3920, T replaced by G.
Protein change: p.Ile1307Ser; replaces isoleucine 1307 with serine.
Molecular consequence: missense variant.
Genome position (GRCh38, 1-based): chr17:31,235,967, T>G. VCF-style: chr17-31235967-T-G. GRCh37 (hg19) VCF-style: chr17-29562985-T-G.
Other names: c.3920T>G, p.Ile1307Ser (NM_000267.4); short protein forms I1307S.
Identifiers: ClinVar variation 859957 (VCV000859957.6), dbSNP rs2067194362, ClinGen allele CA398993160.
Genomic context (GRCh38, chr17:31,235,967, plus strand): 5'-CATTTCTGTAGGTATATGGTGCTACCTATCTACAAAAACTCCTGGATCCTTTATTACGAA[T>G]TGTGATCACATCCTCTGATTGGCAACATGTTAGCTTTGAAGTGGATCCTACCAGGTTTGT-3'
Protein context (NP_001035957.1, residues 1297-1317): LQKLLDPLLR[Ile1307Ser]VITSSDWQHV